The following is an entry in ClinVar:

ClinVar aggregate classification (germline): Uncertain significance. Review status: criteria provided, multiple submitters, no conflicts (2 of 4 stars). 3 submissions from 3 submitters: Uncertain significance (3). Last evaluated 2025-02-12.

Conditions:
Hereditary cancer-predisposing syndrome. Also called: Tumor predisposition; Neoplastic Syndromes, Hereditary; Hereditary Cancer Syndrome; Hereditary neoplastic syndrome. Identifiers: Orphanet 140162, MedGen C0027672, MeSH D009386, MONDO:0015356.
Tuberous sclerosis 2 (TSC2). Identifiers: Orphanet 805, MedGen C1860707, MONDO:0013199, OMIM 613254.

Submissions (3):

Labcorp Genetics (formerly Invitae), Labcorp
Classification: Uncertain significance for Tuberous sclerosis 2. Last evaluated: 2025-02-12. Review status: criteria provided, single submitter. Criteria: Invitae Variant Classification Sherloc (09022015). Collection method: clinical testing. Allele origin: germline.
Comment: This sequence change replaces serine, which is neutral and polar, with alanine, which is neutral and non-polar, at codon 664 of the TSC2 protein (p.Ser664Ala). This variant is not present in population databases (gnomAD no frequency). This variant has not been reported in the literature in individuals affected with TSC2-related conditions. ClinVar contains an entry for this variant (Variation ID: 486707). Invitae Evidence Modeling of protein sequence and biophysical properties (such as structural, functional, and spatial information, amino acid conservation, physicochemical variation, residue mobility, and thermodynamic stability) indicates that this missense variant is not expected to disrupt TSC2 protein function with a negative predictive value of 95%. Experimental studies have shown that this missense change affects TSC2 function (PMID: 15851026). In summary, the available evidence is currently insufficient to determine the role of this variant in disease. Therefore, it has been classified as a Variant of Uncertain Significance.

Ambry Genetics
Classification: Uncertain significance for Hereditary cancer-predisposing syndrome. Last evaluated: 2023-10-09. Review status: criteria provided, single submitter. Criteria: Ambry Variant Classification Scheme 2023. Collection method: clinical testing. Allele origin: germline.
Comment: The p.S664A variant (also known as c.1990T>G), located in coding exon 18 of the TSC2 gene, results from a T to G substitution at nucleotide position 1990. The serine at codon 664 is replaced by alanine, an amino acid with similar properties. The amino acid position S664 has been shown to mediate Erk-dependent phosphorylation of TSC2 in vitro (Ma L et al. Cell, 2005 Apr;121:179-93). This amino acid position is highly conserved in available vertebrate species. In addition, the in silico prediction for this alteration is inconclusive. Since supporting evidence is limited at this time, the clinical significance of this alteration remains unclear.

Genome-Nilou Lab
Classification: Uncertain significance for Tuberous sclerosis 2. Last evaluated: 2021-11-07. Review status: criteria provided, single submitter. Criteria: ACMG Guidelines, 2015. Collection method: clinical testing. Allele origin: germline. Affected: no.

Literature cited by the submitters: PubMed 15851026 (cited by Labcorp Genetics (formerly Invitae), Labcorp and Ambry Genetics); PubMed 17671177 (cited by Ambry Genetics); PubMed 18308511 (cited by Ambry Genetics); PubMed 19166931 (cited by Ambry Genetics).

NM_000548.5(TSC2):c.1990T>G (p.Ser664Ala)

Gene: TSC2 (TSC complex subunit 2; plus strand). Cytogenetic location: 16p13.3.
Variant type: single nucleotide variant.
Coding change: c.1990T>G on transcript NM_000548.5 (MANE Select); coding-DNA position 1990, T replaced by G.
Protein change: p.Ser664Ala; replaces serine 664 with alanine.
Molecular consequence: missense variant.
Genome position (GRCh38, 1-based): chr16:2,071,827, T>G. VCF-style: chr16-2071827-T-G. GRCh37 (hg19) VCF-style: chr16-2121828-T-G.
Other names: c.1990T>G, p.Ser664Ala (NM_001077183.3, NM_001114382.3, NM_001363528.2 and 3 more transcripts); c.1879T>G, p.Ser627Ala (NM_001318827.2); c.1843T>G, p.Ser615Ala (NM_001318829.2); c.1390T>G, p.Ser464Ala (NM_001318831.2); c.2023T>G, p.Ser675Ala (NM_001318832.2); short protein forms S664A, S675A, S627A, S615A, S464A.
Identifiers: ClinVar variation 486707 (VCV000486707.17), dbSNP rs1555506028, ClinGen allele CA394274403.